The following is an entry in ClinVar:

ClinVar aggregate classification (germline): Uncertain significance. Review status: criteria provided, multiple submitters, no conflicts (2 of 4 stars). 4 submissions from 4 submitters: Uncertain significance (4). Last evaluated 2025-06-11.

Conditions:
Autosomal recessive limb-girdle muscular dystrophy type 2A (LGMDR1). Also called: Calpainopathy; Muscular dystrophy, limb-girdle, type 2A, Amish; LEYDEN-MOEBIUS MUSCULAR DYSTROPHY; MUSCULAR DYSTROPHY, PELVOFEMORAL; Limb-girdle muscular dystrophy, type 2A. Identifiers: Orphanet 267, MedGen C1869123, MONDO:0009675, OMIM 253600. Disease mechanism: loss of function.

Allele frequency attached by ClinVar (database versions not stated): TOPMed 0.00001; gnomAD exomes 0.00003.
gnomAD v4.1: 41 of 1,614,098 alleles (0.0025%); highest among the groups gnomAD compares: Non-Finnish European, 0.0035%; no homozygotes.

Submissions (4):

GeneDx
Classification: Uncertain significance. Last evaluated: 2025-06-11. Review status: criteria provided, single submitter. Criteria: GeneDx Variant Classification Process June 2021. Collection method: clinical testing. Allele origin: germline. Affected: yes.
Comment: Reported in the heterozygous state in an individual with clinically suspected limb-girdle muscular dystrophy in published literature (PMID: 30564623); Not observed at significant frequency in large population cohorts (gnomAD); In silico analysis supports that this missense variant has a deleterious effect on protein structure/function; This variant is associated with the following publications: (PMID: 30564623)

Labcorp Genetics (formerly Invitae), Labcorp
Classification: Uncertain significance for Autosomal recessive limb-girdle muscular dystrophy type 2A. Last evaluated: 2024-04-10. Review status: criteria provided, single submitter. Criteria: Invitae Variant Classification Sherloc (09022015). Collection method: clinical testing. Allele origin: germline.
Comment: This sequence change replaces asparagine, which is neutral and polar, with threonine, which is neutral and polar, at codon 713 of the CAPN3 protein (p.Asn713Thr). This variant is not present in population databases (gnomAD no frequency). This missense change has been observed in individual(s) with limb-girdle muscular dystrophy (PMID: 30564623). ClinVar contains an entry for this variant (Variation ID: 289785). Advanced modeling of protein sequence and biophysical properties (such as structural, functional, and spatial information, amino acid conservation, physicochemical variation, residue mobility, and thermodynamic stability) has been performed at Invitae for this missense variant, however the output from this modeling did not meet the statistical confidence thresholds required to predict the impact of this variant on CAPN3 protein function. In summary, the available evidence is currently insufficient to determine the role of this variant in disease. Therefore, it has been classified as a Variant of Uncertain Significance.

Blueprint Genetics
Classification: Uncertain significance. Last evaluated: 2019-12-12. Review status: criteria provided, single submitter. Criteria: ACMG Guidelines, 2015. Collection method: clinical testing. Allele origin: germline.

Eurofins Ntd Llc (ga)
Classification: Uncertain significance. Last evaluated: 2016-07-22. Review status: criteria provided, single submitter. Criteria: EGL Classification Definitions 2015. Collection method: clinical testing. Allele origin: germline. Observed: 1 variant allele, 1 heterozygote.

Literature cited by the submitters: PubMed 30564623 (cited by Labcorp Genetics (formerly Invitae), Labcorp).

NM_000070.3(CAPN3):c.2138A>C (p.Asn713Thr)

Gene: CAPN3 (calpain 3; plus strand). Cytogenetic location: 15q15.1.
Variant type: single nucleotide variant.
Coding change: c.2138A>C on transcript NM_000070.3 (MANE Select); coding-DNA position 2138, A replaced by C.
Protein change: p.Asn713Thr; replaces asparagine 713 with threonine.
Molecular consequence: missense variant.
Genome position (GRCh38, 1-based): chr15:42,410,450, A>C. VCF-style: chr15-42410450-A-C. GRCh37 (hg19) VCF-style: chr15-42702648-A-C.
Other names: c.2120A>C, p.Asn707Thr (NM_024344.2); c.1862A>C, p.Asn621Thr (NM_173087.2); c.602A>C, p.Asn201Thr (NM_173088.2); c.143A>C, p.Asn48Thr (NM_173089.2, NM_173090.2); c.2138A>C (NM_000070.2); short protein forms N713T, N707T, N201T, N48T, N621T.
Identifiers: ClinVar variation 289785 (VCV000289785.10), dbSNP rs886044264, ClinGen allele CA10606548.